The following is an entry in ClinVar:

ClinVar aggregate classification (germline): Likely benign (1 of 4 stars; one submission).

Allele frequency attached by ClinVar (database versions not stated): gnomAD exomes 0.00004; ExAC 0.00018; gnomAD 0.00036; ESP Exome Variant Server 0.00038; 1000 Genomes Project 0.00040; 1000 Genomes Project 30x 0.00047; TOPMed 0.00054.
gnomAD v4.1: 123 of 1,612,098 alleles (0.0076%); highest among the groups gnomAD compares: African/African-American, 0.11%; no homozygotes.

Submission:

CeGaT Center for Human Genetics Tuebingen
Classification: Likely benign. Last evaluated: 2022-03-01. Review status: criteria provided, single submitter. Criteria: CeGaT Center For Human Genetics Tuebingen Variant Classification Criteria Version 2. Collection method: clinical testing. Allele origin: germline. Affected: yes. Observed: 1 variant allele.
Comment: QRICH2: BP4

NM_001388453.1(QRICH2):c.3728C>G (p.Pro1243Arg)

Gene: QRICH2 (glutamine rich 2; minus strand). Cytogenetic location: 17q25.1.
Variant type: single nucleotide variant.
Coding change: c.3728C>G on transcript NM_001388453.1 (MANE Select); coding-DNA position 3728, C replaced by G.
Protein change: p.Pro1243Arg; replaces proline 1243 with arginine.
Molecular consequence: missense variant. On other transcripts: non-coding transcript variant (1).
Genome position (GRCh38, 1-based): chr17:76,290,062, G>C on the plus strand (C>G on the coding strand, the complement: QRICH2 is on the minus strand). VCF-style: chr17-76290062-G-C. GRCh37 (hg19) VCF-style: chr17-74286143-G-C.
Other names: c.3728C>G, p.Pro1243Arg (NM_032134.3); short protein forms P1243R.
Identifiers: ClinVar variation 2648307 (VCV002648307.24), dbSNP rs142490994, ClinGen allele CA8783754.
Genomic context (GRCh38, chr17:76,290,062, plus strand): 5'-TCCTGCCAAACTTCTTTGGCTAGCGTCTTTACGGTCTTCAGCTGCTCCTGCAGTTCAGGA[G>C]GTATGGTCCTTTTGACTATGGAAAGCAGAAGCCTTATGATCAGAGGGGTTAGATCTCTAG-3'
Protein context (NP_001375382.1, residues 1233-1253): LLAQMVKRTI[Pro1243Arg]PELQEQLKTV